The following is an entry in ClinVar:

ClinVar aggregate classification (germline): Uncertain significance. Review status: criteria provided, multiple submitters, no conflicts (2 of 4 stars). 3 submissions from 3 submitters: Uncertain significance (3). Last evaluated 2024-03-07.

Conditions:
Hypertrophic cardiomyopathy. Also called: HYPERTROPHIC MYOCARDIOPATHY. Identifiers: Orphanet 217569, MedGen C0007194, MeSH D002312, MONDO:0005045, HP:0001639.
Cardiovascular phenotype. Identifiers: MedGen CN230736.

Submissions (3):

Labcorp Genetics (formerly Invitae), Labcorp
Classification: Uncertain significance for Hypertrophic cardiomyopathy. Last evaluated: 2024-03-07. Review status: criteria provided, single submitter. Criteria: Invitae Variant Classification Sherloc (09022015). Collection method: clinical testing. Allele origin: germline.
Comment: This sequence change replaces histidine, which is basic and polar, with arginine, which is basic and polar, at codon 875 of the MYBPC3 protein (p.His875Arg). This variant is not present in population databases (gnomAD no frequency). This variant has not been reported in the literature in individuals affected with MYBPC3-related conditions. ClinVar contains an entry for this variant (Variation ID: 1014372). An algorithm developed to predict the effect of missense changes on protein structure and function (PolyPhen-2) suggests that this variant is likely to be disruptive. In summary, the available evidence is currently insufficient to determine the role of this variant in disease. Therefore, it has been classified as a Variant of Uncertain Significance.

GeneDx
Classification: Uncertain significance. Last evaluated: 2023-11-14. Review status: criteria provided, single submitter. Criteria: GeneDx Variant Classification Process June 2021. Collection method: clinical testing. Allele origin: germline. Affected: yes.
Comment: Not observed at significant frequency in large population cohorts (gnomAD); In silico analysis supports that this missense variant does not alter protein structure/function; Has not been previously published as pathogenic or benign to our knowledge

Ambry Genetics
Classification: Uncertain significance for Cardiovascular phenotype. Last evaluated: 2021-07-08. Review status: criteria provided, single submitter. Criteria: Ambry Variant Classification Scheme 2023. Collection method: clinical testing. Allele origin: germline.
Comment: The p.H875R variant (also known as c.2624A>G), located in coding exon 26 of the MYBPC3 gene, results from an A to G substitution at nucleotide position 2624. The histidine at codon 875 is replaced by arginine, an amino acid with highly similar properties. This amino acid position is conserved. In addition, this alteration is predicted to be tolerated by in silico analysis. Since supporting evidence is limited at this time, the clinical significance of this alteration remains unclear.

NM_000256.3(MYBPC3):c.2624A>G (p.His875Arg)

Gene: MYBPC3 (myosin binding protein C3; minus strand). Cytogenetic location: 11p11.2.
Variant type: single nucleotide variant.
Coding change: c.2624A>G on transcript NM_000256.3 (MANE Select); coding-DNA position 2624, A replaced by G.
Protein change: p.His875Arg; replaces histidine 875 with arginine.
Molecular consequence: missense variant.
Genome position (GRCh38, 1-based): chr11:47,335,990, T>C on the plus strand (A>G on the coding strand, the complement: MYBPC3 is on the minus strand). VCF-style: chr11-47335990-T-C. GRCh37 (hg19) VCF-style: chr11-47357541-T-C.
Other names: short protein forms H875R.
Identifiers: ClinVar variation 1014372 (VCV001014372.12), dbSNP rs774889182, ClinGen allele CA380317426.